The following is an entry in ClinVar:

ClinVar aggregate classification (germline): Likely benign. Review status: criteria provided, multiple submitters, no conflicts (2 of 4 stars). 2 submissions from 2 submitters: Likely benign (2). Last evaluated 2025-02-02.

Conditions:
Neonatal-onset encephalopathy with rigidity and seizures. Also called: Lethal neonatal spasticity-epileptic encephalopathy syndrome. Identifiers: Orphanet 435845, MedGen C3281029, MONDO:0013784, OMIM 614498.

Allele frequency attached by ClinVar (database versions not stated): gnomAD exomes below 0.00001 and 0.00001; ExAC 0.00001; gnomAD 0.00003; TOPMed 0.00003.
gnomAD v4.1: 19 of 1,613,430 alleles (0.0012%); highest among the groups gnomAD compares: Middle Eastern, 0.016%; no homozygotes.

Submissions (2):

Labcorp Genetics (formerly Invitae), Labcorp
Classification: Likely benign for Neonatal-onset encephalopathy with rigidity and seizures. Last evaluated: 2025-02-02. Review status: criteria provided, single submitter. Criteria: Invitae Variant Classification Sherloc (09022015). Collection method: clinical testing. Allele origin: germline.

CeGaT Center for Human Genetics Tuebingen
Classification: Likely benign. Last evaluated: 2022-06-01. Review status: criteria provided, single submitter. Criteria: CeGaT Center For Human Genetics Tuebingen Variant Classification Criteria Version 2. Collection method: clinical testing. Allele origin: germline. Affected: yes. Observed: 1 variant allele.
Comment: BRAT1: BP4, BP7

NM_152743.4(BRAT1):c.2148G>A (p.Ala716=)

Gene: BRAT1 (BRCA1 associated ATM activator 1; minus strand). Cytogenetic location: 7p22.3.
Variant type: single nucleotide variant.
Coding change: c.2148G>A on transcript NM_152743.4 (MANE Select); coding-DNA position 2148, G replaced by A.
Protein change: p.Ala716=; no amino-acid change (alanine 716 retained).
Molecular consequence: synonymous variant. On other transcripts: non-coding transcript variant (1).
Genome position (GRCh38, 1-based): chr7:2,538,387, C>T on the plus strand (G>A on the coding strand, the complement: BRAT1 is on the minus strand). VCF-style: chr7-2538387-C-T. GRCh37 (hg19) VCF-style: chr7-2578021-C-T.
Other names: c.2328G>A, p.Ala776= (NM_001350626.2); c.1623G>A, p.Ala541= (NM_001350627.2).
Identifiers: ClinVar variation 1137639 (VCV001137639.32), dbSNP rs756583395, ClinGen allele CA4127445.